The following is an entry in ClinVar:

NM_001001557.4(GDF6):c.166C>T (p.Arg56Cys)

Gene: GDF6 (growth differentiation factor 6; minus strand). Cytogenetic location: 8q22.1.
Variant type: single nucleotide variant.
Coding change: c.166C>T on transcript NM_001001557.4 (MANE Select); coding-DNA position 166, C replaced by T.
Protein change: p.Arg56Cys; replaces arginine 56 with cysteine.
Molecular consequence: missense variant.
Genome position (GRCh38, 1-based): chr8:96,160,527, G>A on the plus strand (C>T on the coding strand, the complement: GDF6 is on the minus strand). VCF-style: chr8-96160527-G-A. GRCh37 (hg19) VCF-style: chr8-97172755-G-A.
Other names: short protein forms R56C.
Identifiers: ClinVar variation 4783084 (VCV004783084.2).

ClinVar aggregate classification (germline): Uncertain significance. Review status: criteria provided, multiple submitters, no conflicts (2 of 4 stars). 2 submissions from 2 submitters: Uncertain significance (2). Last evaluated 2025-09-28.

Conditions:
Microphthalmia, isolated, with coloboma 6 (MCOPCB6). Also called: MICROPHTHALMIA/COLOBOMA 6; Microphthalmia with coloboma 6, digenic; Microphthalmia with coloboma 6. Identifiers: Orphanet 98938, MedGen C3150968, MONDO:0013376, OMIM 613703.
Leber congenital amaurosis 17 (LCA17). Identifiers: Orphanet 65, MedGen C3715164, MONDO:0014145, OMIM 615360.
Klippel-Feil syndrome 1, autosomal dominant (KFS1). Also called: CERVICAL VERTEBRAL FUSION, AUTOSOMAL DOMINANT. Identifiers: Orphanet 2345, MedGen C1861689, MONDO:0007306, OMIM 118100.
Isolated microphthalmia 4. Identifiers: Orphanet 2542, MedGen C2751307, MONDO:0013130, OMIM 613094.

Submissions (2):

Labcorp Genetics (formerly Invitae), Labcorp
Classification: Uncertain significance for Isolated microphthalmia 4; Leber congenital amaurosis 17; Klippel-Feil syndrome 1, autosomal dominant; Microphthalmia, isolated, with coloboma 6. Last evaluated: 2025-09-28. Review status: criteria provided, single submitter. Criteria: Invitae Variant Classification Sherloc (09022015). Collection method: clinical testing. Allele origin: germline.
Comment: This sequence change replaces arginine, which is basic and polar, with cysteine, which is neutral and slightly polar, at codon 56 of the GDF6 protein (p.Arg56Cys). This variant is present in population databases (no rsID available, gnomAD 0.004%). This variant has not been reported in the literature in individuals affected with GDF6-related conditions. An algorithm developed to predict the effect of missense changes on protein structure and function (PolyPhen-2) suggests that this variant is likely to be disruptive. In summary, the available evidence is currently insufficient to determine the role of this variant in disease. Therefore, it has been classified as a Variant of Uncertain Significance.

Blueprint Genetics
Classification: Uncertain significance. Last evaluated: 2019-02-08. Review status: criteria provided, single submitter. Criteria: ACMG Guidelines, 2015. Collection method: clinical testing. Allele origin: germline.